The following is an entry in ClinVar:

NM_194248.3(OTOF):c.3321del (p.Ile1108fs)

Gene: OTOF (otoferlin; minus strand). Cytogenetic location: 2p23.3.
Variant type: Deletion.
Coding change: c.3321del on transcript NM_194248.3 (MANE Select); coding-DNA position 3321, one base deleted (C; older notation c.3321delC).
Protein change: p.Ile1108fs; shifts the reading frame from isoleucine 1108.
Molecular consequence: frameshift variant.
Genome position (GRCh38, 1-based): chr2:26,474,078, G deleted on the plus strand (C on the coding strand, the reverse complement: OTOF is on the minus strand); the first of 6 consecutive G bases (chr2:26,474,078-26,474,083); deleting any one gives the same sequence. VCF-style (leftmost placement, unchanged base first): chr2-26474077-TG-T. GRCh37 (hg19) VCF-style: chr2-26696945-TG-T.
Other names: c.3321del, p.Ile1108fs (NM_001287489.2); c.1080del, p.Ile361fs (NM_004802.4, NM_194323.3); c.1251del, p.Ile418fs (NM_194322.3); short protein forms I418fs, I1108fs, I361fs.
Identifiers: ClinVar variation 2786417 (VCV002786417.3), dbSNP rs748545363, ClinGen allele CA1563585.
Genomic context (GRCh38, chr2:26,474,077, plus strand): 5'-GCCGGATGCCCATGGGCACGGGCATGATGGGACCTCGGTCCACGTCCACCGGGCCATTGA[TG>T]GGGGGCAGGTCAGCCTTCCCTGCTGGTCCAATCTGGGGAATGGGGGTCACAGGTCACACA-3'

ClinVar aggregate classification (germline): Pathogenic (1 of 4 stars; one submission).

Submission:

Labcorp Genetics (formerly Invitae), Labcorp
Classification: Pathogenic. Last evaluated: 2023-11-21. Review status: criteria provided, single submitter. Criteria: Invitae Variant Classification Sherloc (09022015). Collection method: clinical testing. Allele origin: germline.
Comment: This sequence change creates a premature translational stop signal (p.Ile1108Serfs*38) in the OTOF gene. It is expected to result in an absent or disrupted protein product. Loss-of-function variants in OTOF are known to be pathogenic (PMID: 18381613, 19250381, 22575033). This variant is present in population databases (rs748545363, gnomAD 0.0009%). This variant has not been reported in the literature in individuals affected with OTOF-related conditions. For these reasons, this variant has been classified as Pathogenic.

Literature cited by the submitters: PubMed 18381613; PubMed 19250381; PubMed 22575033.